The following is an entry in ClinVar:

ClinVar aggregate classification (germline): Uncertain significance (1 of 4 stars; one submission).

Conditions:
Familial dysautonomia. Also called: FD; HSAN III. Identifiers: Orphanet 1764, MedGen C0013364, MONDO:0009131, OMIM 223900. Disease mechanism: loss of function.

Submission:

Myriad Genetics, Inc.
Classification: Uncertain significance for Familial dysautonomia. Last evaluated: 2026-03-31. Review status: criteria provided, single submitter. Criteria: Myriad Autosomal Dominant, Autosomal Recessive and X-Linked Classification Criteria (2023). Collection method: clinical testing. Allele origin: unknown.
Comment: NM_003640.3(ELP1):c.2993A>G(Q998R) is a missense variant classified as a variant of uncertain significance in the context of familial dysautonomia. Q998R has not been observed in cases with relevant disease. Relevant functional assessments of this variant are not available in the literature. Q998R has not been observed in referenced population frequency databases. In summary, there is insufficient evidence to classify NM_003640.3(ELP1):c.2993A>G(Q998R) as pathogenic or benign. Please note: this variant was assessed in the context of healthy population screening.

NM_003640.5(ELP1):c.2993A>G (p.Gln998Arg)

Gene: ELP1 (elongator acetyltransferase complex subunit 1; minus strand). Cytogenetic location: 9q31.3.
Variant type: single nucleotide variant.
Coding change: c.2993A>G on transcript NM_003640.5 (MANE Select); coding-DNA position 2993, A replaced by G.
Protein change: p.Gln998Arg; replaces glutamine 998 with arginine.
Molecular consequence: missense variant.
Genome position (GRCh38, 1-based): chr9:108,891,370, T>C on the plus strand (A>G on the coding strand, the complement: ELP1 is on the minus strand). VCF-style: chr9-108891370-T-C. GRCh37 (hg19) VCF-style: chr9-111653650-T-C.
Other names: c.2651A>G, p.Gln884Arg (NM_001318360.2); c.1946A>G, p.Gln649Arg (NM_001330749.2); short protein forms Q998R, Q884R, Q649R.
Identifiers: ClinVar variation 5003518 (VCV005003518.1).